The following is an entry in ClinVar:

ClinVar aggregate classification (germline): Uncertain significance (1 of 4 stars; one submission).

Submission:

Labcorp Genetics (formerly Invitae), Labcorp
Classification: Uncertain significance. Last evaluated: 2022-07-17. Review status: criteria provided, single submitter. Criteria: Invitae Variant Classification Sherloc (09022015). Collection method: clinical testing. Allele origin: germline.
Comment: In summary, the available evidence is currently insufficient to determine the role of this variant in disease. Therefore, it has been classified as a Variant of Uncertain Significance. This sequence change falls in intron 5 of the OPA1 gene. It does not directly change the encoded amino acid sequence of the OPA1 protein. This variant is not present in population databases (gnomAD no frequency). This variant has not been reported in the literature in individuals affected with OPA1-related conditions. Algorithms developed to predict the effect of sequence changes on RNA splicing suggest that this variant may disrupt the consensus splice site.

NM_130837.3(OPA1):c.718C>A (p.Gln240Lys)

Genes: OPA1 (OPA1 mitochondrial dynamin like GTPase; plus strand), OPA1-AS1 (OPA1 antisense RNA 1; minus strand). Cytogenetic location: 3q29.
Variant type: single nucleotide variant.
Coding change: c.718C>A on transcript NM_130837.3 (MANE Select); coding-DNA position 718, C replaced by A.
Protein change: p.Gln240Lys; replaces glutamine 240 with lysine.
Molecular consequence: missense variant. On other transcripts: intron variant (5).
Genome position (GRCh38, 1-based): chr3:193,626,131, C>A. VCF-style: chr3-193626131-C-A. GRCh37 (hg19) VCF-style: chr3-193343920-C-A.
Other names: c.184C>A, p.Gln62Lys (NM_001354663.2); c.556C>A, p.Gln186Lys (NM_130833.3); c.610C>A, p.Gln204Lys (NM_130835.3); c.664C>A, p.Gln222Lys (NM_130836.3); c.253-5481C>A (NM_001354664.2); c.679-5481C>A (NM_130834.3); c.625-5481C>A (NM_015560.3); c.571-5481C>A (NM_130832.3); and 1 more; short protein forms Q186K, Q240K, Q62K, Q204K, Q222K.
Identifiers: ClinVar variation 2017929 (VCV002017929.4), dbSNP rs751085689, ClinGen allele CA355788614.